The following is an entry in ClinVar:

ClinVar aggregate classification (germline): Likely pathogenic (1 of 4 stars; one submission).

Submission:

GeneDx
Classification: Likely pathogenic. Last evaluated: 2016-05-12. Review status: criteria provided, single submitter. Criteria: GeneDx Variant Classification (06012015). Collection method: clinical testing. Allele origin: germline. Affected: yes.
Comment: The V180A variant in the GALNS gene has not been reported previously as a pathogenic variant, nor as a benign variant, to our knowledge. The V180A variant was not observed in approximately 6500 individuals of European and African American ancestry in the NHLBI Exome Sequencing Project, indicating it is not a common benign variant in these populations. The V180A variant is a conservative amino acid substitution, which is not likely to impact secondary protein structure as these residues share similar properties. This substitution occurs at a position that is conserved across species. Although in silico analysis is inconsistent in its predictions as to whether or not the variant is damaging to the protein structure/function, missense variants in nearby residues (N177S, P179S, P179L, P179H, Y181C, E185G) have been reported in the Human Gene Mutation Database in association with mucopolysaccharidosis IVA (Stenson et al., 2014), supporting the functional importance of this region of the protein. Based on review of the data in the context of the 2015 ACMG standards and guidelines for the interpretation of sequence variants (Richards et al., 2015), we now interpret V180A as a strong candidate for a pathogenic variant.

NM_000512.5(GALNS):c.539T>C (p.Val180Ala)

Gene: GALNS (galactosamine (N-acetyl)-6-sulfatase; minus strand). Cytogenetic location: 16q24.3.
Variant type: single nucleotide variant.
Coding change: c.539T>C on transcript NM_000512.5 (MANE Select); coding-DNA position 539, T replaced by C.
Protein change: p.Val180Ala; replaces valine 180 with alanine.
Molecular consequence: missense variant. On other transcripts: 5 prime UTR variant (1).
Genome position (GRCh38, 1-based): chr16:88,837,649, A>G on the plus strand (T>C on the coding strand, the complement: GALNS is on the minus strand). VCF-style: chr16-88837649-A-G. GRCh37 (hg19) VCF-style: chr16-88904057-A-G.
Other names: c.-17T>C (NM_001323543.2); c.557T>C, p.Val186Ala (NM_001323544.2); short protein forms V180A, V186A.
Identifiers: ClinVar variation 265168 (VCV000265168.2), dbSNP rs886039376, ClinGen allele CA10588632.